The following is an entry in ClinVar:

ClinVar aggregate classification (germline): Pathogenic (1 of 4 stars; one submission).

gnomAD v4.1: 1 of 1,613,884 alleles (0.000062%); highest among the groups gnomAD compares: Non-Finnish European, 0.000085%; no homozygotes.

Submission:

Labcorp Genetics (formerly Invitae), Labcorp
Classification: Pathogenic. Last evaluated: 2025-10-30. Review status: criteria provided, single submitter. Criteria: Invitae Variant Classification Sherloc (09022015). Collection method: clinical testing. Allele origin: germline.
Comment: This sequence change creates a premature translational stop signal (p.Cys333*) in the GLE1 gene. It is expected to result in an absent or disrupted protein product. Loss-of-function variants in GLE1 are known to be pathogenic (PMID: 18204449, 24243016, 27684565). This variant is not present in population databases (gnomAD no frequency). This variant has not been reported in the literature in individuals affected with GLE1-related conditions. ClinVar contains an entry for this variant (Variation ID: 2891711). For these reasons, this variant has been classified as Pathogenic.

Literature cited by the submitters: PubMed 18204449; PubMed 24243016; PubMed 27684565.

NM_001003722.2(GLE1):c.999C>A (p.Cys333Ter)

Gene: GLE1 (GLE1 RNA export mediator; plus strand). Cytogenetic location: 9q34.11.
Variant type: single nucleotide variant.
Coding change: c.999C>A on transcript NM_001003722.2 (MANE Select); coding-DNA position 999, C replaced by A.
Protein change: p.Cys333Ter; replaces cysteine 333 with a stop codon.
Molecular consequence: nonsense.
Genome position (GRCh38, 1-based): chr9:128,525,293, C>A. VCF-style: chr9-128525293-C-A. GRCh37 (hg19) VCF-style: chr9-131287572-C-A.
Other names: c.999C>A, p.Cys333Ter (NM_001411013.1, NM_001499.2); short protein forms C333*.
Identifiers: ClinVar variation 2891711 (VCV002891711.3), dbSNP rs199535198, ClinGen allele CA200383117.